The following is an entry in ClinVar:

NM_000255.4(MMUT):c.455G>T (p.Arg152Leu)

Gene: MMUT (methylmalonyl-CoA mutase; minus strand). Cytogenetic location: 6p12.3.
Variant type: single nucleotide variant.
Coding change: c.455G>T on transcript NM_000255.4 (MANE Select); coding-DNA position 455, G replaced by T.
Protein change: p.Arg152Leu; replaces arginine 152 with leucine.
Molecular consequence: missense variant.
Genome position (GRCh38, 1-based): chr6:49,457,989, C>A on the plus strand (G>T on the coding strand, the complement: MMUT is on the minus strand). VCF-style: chr6-49457989-C-A. GRCh37 (hg19) VCF-style: chr6-49425702-C-A.
Other names: short protein forms R152L.
Identifiers: ClinVar variation 962230 (VCV000962230.7), dbSNP rs758095905, ClinGen allele CA364404691.

ClinVar aggregate classification (germline): Uncertain significance (1 of 4 stars; one submission).

Allele frequency attached by ClinVar (database versions not stated): gnomAD below 0.00001 and 0.00001.

Submission:

Labcorp Genetics (formerly Invitae), Labcorp
Classification: Uncertain significance. Last evaluated: 2021-08-24. Review status: criteria provided, single submitter. Criteria: Invitae Variant Classification Sherloc (09022015). Collection method: clinical testing. Allele origin: germline.
Comment: This sequence change replaces arginine with leucine at codon 152 of the MUT protein (p.Arg152Leu). The arginine residue is highly conserved and there is a moderate physicochemical difference between arginine and leucine. This variant is not present in population databases (ExAC no frequency). This variant has not been reported in the literature in individuals affected with MUT-related conditions. Algorithms developed to predict the effect of missense changes on protein structure and function are either unavailable or do not agree on the potential impact of this missense change (SIFT: "Deleterious"; PolyPhen-2: "Possibly Damaging"; Align-GVGD: "Class C0"). In summary, the available evidence is currently insufficient to determine the role of this variant in disease. Therefore, it has been classified as a Variant of Uncertain Significance.